The following is an entry in ClinVar:

ClinVar aggregate classification (germline): Uncertain significance. Review status: criteria provided, multiple submitters, no conflicts (2 of 4 stars). 2 submissions from 2 submitters: Uncertain significance (2). Last evaluated 2024-01-19.

Conditions:
Inborn genetic diseases. Identifiers: MedGen C0950123, MeSH D030342.
Cowden syndrome (CS). Also called: Cowden's disease; Cowden's syndrome; Cowden disease. Identifiers: Orphanet 201, MedGen C0018553, MONDO:0016063. Disease mechanism: gain of function.

Submissions (2):

Ambry Genetics
Classification: Uncertain significance for Inborn genetic diseases. Last evaluated: 2024-01-19. Review status: criteria provided, single submitter. Criteria: Ambry Variant Classification Scheme 2023. Collection method: clinical testing. Allele origin: germline.
Comment: The p.T972I variant (also known as c.2915C>T), located in coding exon 19 of the PIK3CA gene, results from a C to T substitution at nucleotide position 2915. The threonine at codon 972 is replaced by isoleucine, an amino acid with similar properties. This amino acid position is conserved. In addition, the in silico prediction for this alteration is inconclusive. Based on the available evidence, the clinical significance of this alteration remains unclear.

Labcorp Genetics (formerly Invitae), Labcorp
Classification: Uncertain significance for Cowden syndrome. Last evaluated: 2017-05-10. Review status: criteria provided, single submitter. Criteria: Invitae Variant Classification Sherloc (09022015). Collection method: clinical testing. Allele origin: germline.
Comment: In summary, this variant is a novel missense change that is not predicted to affect protein function. There is no indication that it causes disease, but the available evidence is currently insufficient to prove that conclusively. Therefore, it has been classified as a Variant of Uncertain Significance. Algorithms developed to predict the effect of missense changes on protein structure and function (SIFT, PolyPhen-2, Align-GVGD) all suggest that this variant is likely to be tolerated, but these predictions have not been confirmed by published functional studies. This variant is not present in population databases (ExAC no frequency) and has not been reported in the literature in individuals with a PIK3CA-related disease. This sequence change replaces threonine with isoleucine at codon 972 of the PIK3CA protein (p.Thr972Ile). The threonine residue is highly conserved and there is a moderate physicochemical difference between threonine and isoleucine.

NM_006218.4(PIK3CA):c.2915C>T (p.Thr972Ile)

Gene: PIK3CA (phosphatidylinositol-4,5-bisphosphate 3-kinase catalytic subunit alpha; plus strand). Cytogenetic location: 3q26.32.
Variant type: single nucleotide variant.
Coding change: c.2915C>T on transcript NM_006218.4 (MANE Select); coding-DNA position 2915, C replaced by T.
Protein change: p.Thr972Ile; replaces threonine 972 with isoleucine.
Molecular consequence: missense variant.
Genome position (GRCh38, 1-based): chr3:179,230,355, C>T. VCF-style: chr3-179230355-C-T. GRCh37 (hg19) VCF-style: chr3-178948143-C-T.
Other names: c.2915C>T (LRG_310t1); short protein forms T972I.
Identifiers: ClinVar variation 456544 (VCV000456544.10), dbSNP rs1553825480, ClinGen allele CA355282164.